The following is an entry in ClinVar:

ClinVar aggregate classification (germline): Uncertain significance (1 of 4 stars; one submission).

Submission:

Ambry Genetics
Classification: Uncertain significance. Last evaluated: 2024-08-02. Review status: criteria provided, single submitter. Criteria: Ambry Variant Classification Scheme 2023. Collection method: clinical testing. Allele origin: germline.
Comment: The p.I467V variant (also known as c.1399A>G), located in coding exon 10 of the RINT1 gene, results from an A to G substitution at nucleotide position 1399. The isoleucine at codon 467 is replaced by valine, an amino acid with highly similar properties. This amino acid position is conserved. In addition, this alteration is predicted to be tolerated by in silico analysis. Based on the available evidence, the clinical significance of this variant remains unclear.

NM_021930.6(RINT1):c.1399A>G (p.Ile467Val)

Gene: RINT1 (RAD50 interactor 1; plus strand). Cytogenetic location: 7q22.3.
Variant type: single nucleotide variant.
Coding change: c.1399A>G on transcript NM_021930.6 (MANE Select); coding-DNA position 1399, A replaced by G.
Protein change: p.Ile467Val; replaces isoleucine 467 with valine.
Molecular consequence: missense variant. On other transcripts: non-coding transcript variant (1).
Genome position (GRCh38, 1-based): chr7:105,551,635, A>G. VCF-style: chr7-105551635-A-G. GRCh37 (hg19) VCF-style: chr7-105192082-A-G.
Other names: c.1165A>G, p.Ile389Val (NM_001346599.2); c.376A>G, p.Ile126Val (NM_001346600.2, NM_001346603.2); c.475A>G, p.Ile159Val (NM_001346601.2); short protein forms I126V, I389V, I467V, I159V.
Identifiers: ClinVar variation 3433595 (VCV003433595.1).